The following is an entry in ClinVar:

ClinVar aggregate classification (germline): Conflicting classifications of pathogenicity. Review status: criteria provided, conflicting classifications (1 of 4 stars). 2 submissions from 2 submitters: Uncertain significance (1); Likely benign (1). Last evaluated 2024-03-25.

Allele frequency attached by ClinVar (database versions not stated): TOPMed below 0.00001; ExAC 0.00001; gnomAD 0.00001; gnomAD exomes 0.00001.
gnomAD v4.1: 8 of 1,613,712 alleles (0.0005%); highest among the groups gnomAD compares: East Asian, 0.0067%; no homozygotes.

Submissions (2):

Ambry Genetics
Classification: Likely benign. Last evaluated: 2024-03-25. Review status: criteria provided, single submitter. Criteria: Ambry Variant Classification Scheme 2023. Collection method: clinical testing. Allele origin: germline.

Labcorp Genetics (formerly Invitae), Labcorp
Classification: Uncertain significance. Last evaluated: 2022-10-13. Review status: criteria provided, single submitter. Criteria: Invitae Variant Classification Sherloc (09022015). Collection method: clinical testing. Allele origin: germline.
Comment: In summary, the available evidence is currently insufficient to determine the role of this variant in disease. Therefore, it has been classified as a Variant of Uncertain Significance. Advanced modeling of protein sequence and biophysical properties (such as structural, functional, and spatial information, amino acid conservation, physicochemical variation, residue mobility, and thermodynamic stability) performed at Invitae indicates that this missense variant is not expected to disrupt ABRAXAS1 protein function. ClinVar contains an entry for this variant (Variation ID: 664049). This variant has not been reported in the literature in individuals affected with ABRAXAS1-related conditions. This variant is present in population databases (rs778357689, gnomAD 0.02%). This sequence change replaces histidine, which is basic and polar, with arginine, which is basic and polar, at codon 329 of the ABRAXAS1 protein (p.His329Arg).

NM_139076.3(ABRAXAS1):c.986A>G (p.His329Arg)

Gene: ABRAXAS1 (abraxas 1, BRCA1 A complex subunit; minus strand). Cytogenetic location: 4q21.23.
Variant type: single nucleotide variant.
Coding change: c.986A>G on transcript NM_139076.3 (MANE Select); coding-DNA position 986, A replaced by G.
Protein change: p.His329Arg; replaces histidine 329 with arginine.
Molecular consequence: missense variant.
Genome position (GRCh38, 1-based): chr4:83,462,713, T>C on the plus strand (A>G on the coding strand, the complement: ABRAXAS1 is on the minus strand). VCF-style: chr4-83462713-T-C. GRCh37 (hg19) VCF-style: chr4-84383866-T-C.
Other names: c.659A>G, p.His220Arg (NM_001345962.2); short protein forms H220R, H329R.
Identifiers: ClinVar variation 664049 (VCV000664049.13), dbSNP rs778357689, ClinGen allele CA2990396.